The following is an entry in ClinVar:

ClinVar aggregate classification (germline): Uncertain significance. Review status: criteria provided, multiple submitters, no conflicts (2 of 4 stars). 2 submissions from 2 submitters: Uncertain significance (2). Last evaluated 2021-05-29.

Conditions:
Long QT syndrome 8. Identifiers: MedGen CN260585, MONDO:0032756, OMIM 618447.
Long QT syndrome (LQTS). Identifiers: MedGen C0023976, MeSH D008133, MONDO:0002442. Disease mechanism: loss of function. Inheritance: Various modes of inheritance.

gnomAD v4.1: 1 of 1,613,914 alleles (0.000062%); highest among the groups gnomAD compares: South Asian, 0.0011%; no homozygotes.

Submissions (2):

Labcorp Genetics (formerly Invitae), Labcorp
Classification: Uncertain significance for Long QT syndrome. Last evaluated: 2021-05-29. Review status: criteria provided, single submitter. Criteria: Invitae Variant Classification Sherloc (09022015). Collection method: clinical testing. Allele origin: germline.
Comment: This variant is not present in population databases (ExAC no frequency). This sequence change replaces threonine with serine at codon 1309 of the CACNA1C protein (p.Thr1309Ser). The threonine residue is weakly conserved and there is a small physicochemical difference between threonine and serine. This variant has not been reported in the literature in individuals with CACNA1C-related conditions. In summary, the available evidence is currently insufficient to determine the role of this variant in disease. Therefore, it has been classified as a Variant of Uncertain Significance. Algorithms developed to predict the effect of missense changes on protein structure and function (SIFT, PolyPhen-2, Align-GVGD) all suggest that this variant is likely to be tolerated, but these predictions have not been confirmed by published functional studies and their clinical significance is uncertain.

Neuberg Centre For Genomic Medicine, NCGM
Classification: Uncertain significance for Long QT syndrome 8. Review status: criteria provided, single submitter. Criteria: ACMG Guidelines, 2015. Collection method: clinical testing. Allele origin: germline. Inheritance: Autosomal dominant inheritance. Affected: yes.
Comment: The missense variant in c.3926C>G(p.Thr1309Ser) in CACNA1C gene has not been reported previously as a pathogenic variant nor as a benign variant, to our knowledge. The variant is novel (not in any individual) in gnomAD and 1000 genome. This variant has been reported to the ClinVar database as Uncertain significance. The amino acid Thr at position 1309 is changed to a Ser changing protein sequence and it might alter its composition and physico-chemical properties. For these reasons, this variant has been classified as uncertain significance.

NM_000719.7(CACNA1C):c.3926C>G (p.Thr1309Ser)

Gene: CACNA1C (calcium voltage-gated channel subunit alpha1 C; plus strand). Cytogenetic location: 12p13.33.
Variant type: single nucleotide variant.
Coding change: c.3926C>G on transcript NM_000719.7 (MANE Select); coding-DNA position 3926, C replaced by G.
Protein change: p.Thr1309Ser; replaces threonine 1309 with serine.
Molecular consequence: missense variant. On other transcripts: intron variant (6).
Genome position (GRCh38, 1-based): chr12:2,648,488, C>G. VCF-style: chr12-2648488-C-G. GRCh37 (hg19) VCF-style: chr12-2757654-C-G.
Other names: c.4070C>G, p.Thr1357Ser (NM_001129827.2, NM_199460.4); c.3926C>G, p.Thr1309Ser (NM_001129829.2, NM_001129830.3, NM_001129833.2 and 8 more transcripts); c.4010C>G, p.Thr1337Ser (NM_001129831.2); c.3986C>G, p.Thr1329Ser (NM_001129832.2); c.3917C>G, p.Thr1306Ser (NM_001129844.2); c.3913-3152C>G (NM_001167625.2, NM_001129837.2, NM_001129838.2 and 1 more transcripts); c.3907-3152C>G (NM_001129839.2); c.3997-3152C>G (NM_001129836.2); short protein forms T1306S, T1329S, T1309S, T1357S, T1337S.
Identifiers: ClinVar variation 862892 (VCV000862892.10), dbSNP rs2094568640, ClinGen allele CA383373189.